The following is an entry in ClinVar:

NM_000158.4(GBE1):c.2093T>C (p.Val698Ala)

Gene: GBE1 (1,4-alpha-glucan branching enzyme 1; minus strand). Cytogenetic location: 3p12.2.
Variant type: single nucleotide variant.
Coding change: c.2093T>C on transcript NM_000158.4 (MANE Select); coding-DNA position 2093, T replaced by C.
Protein change: p.Val698Ala; replaces valine 698 with alanine.
Molecular consequence: missense variant.
Genome position (GRCh38, 1-based): chr3:81,490,423, A>G on the plus strand (T>C on the coding strand, the complement: GBE1 is on the minus strand). VCF-style: chr3-81490423-A-G. GRCh37 (hg19) VCF-style: chr3-81539574-A-G.
Other names: short protein forms V698A.
Identifiers: ClinVar variation 1449432 (VCV001449432.4), dbSNP rs1195429833, ClinGen allele CA353686741.
Genomic context (GRCh38, chr3:81,490,423, plus strand): 5'-ACAAAACACAAATCTGCATCTGGTGGAGCTGAAATCAGGCCTCTTCAATTCGGCAGATCC[A>G]CATTCTGAAGGATGAGGGCCACTCTGCTTGGAATGTACACCTACGTCAAAACAATTATGT-3'
Protein context (NP_000149.4, residues 688-702): PSRVALILQN[Val698Ala]DLPN

ClinVar aggregate classification (germline): Uncertain significance (1 of 4 stars; one submission).

Conditions:
Glycogen storage disease, type IV (GSD4). Also called: BRANCHER DEFICIENCY; CIRRHOSIS, FAMILIAL, WITH DEPOSITION OF ABNORMAL GLYCOGEN; GBE1 DEFICIENCY; GLYCOGEN BRANCHING ENZYME DEFICIENCY; GLYCOGENOSIS IV; GSD IV. Identifiers: Orphanet 367, MedGen C0017923, MONDO:0009292, OMIM 232500.
Glycogen storage disease IV, classic hepatic. Also called: GSD IV, CLASSIC HEPATIC. Identifiers: MedGen C1856301.

Allele frequency attached by ClinVar (database versions not stated): gnomAD exomes below 0.00001; TOPMed below 0.00001; gnomAD 0.00001.
gnomAD v4.1: 5 of 1,613,142 alleles (0.00031%); highest among the groups gnomAD compares: Admixed American, 0.005%; no homozygotes.

Submission:

Labcorp Genetics (formerly Invitae), Labcorp
Classification: Uncertain significance for Glycogen storage disease, type IV; Glycogen storage disease IV, classic hepatic. Last evaluated: 2022-07-19. Review status: criteria provided, single submitter. Criteria: Invitae Variant Classification Sherloc (09022015). Collection method: clinical testing. Allele origin: germline.
Comment: This sequence change replaces valine with alanine at codon 698 of the GBE1 protein (p.Val698Ala). The valine residue is moderately conserved and there is a small physicochemical difference between valine and alanine. The frequency data for this variant in the population databases is considered unreliable, as metrics indicate poor data quality at this position in the gnomAD database. This variant has not been reported in the literature in individuals affected with GBE1-related conditions. ClinVar contains an entry for this variant (Variation ID: 1449432). Advanced modeling of protein sequence and biophysical properties (such as structural, functional, and spatial information, amino acid conservation, physicochemical variation, residue mobility, and thermodynamic stability) performed at Invitae indicates that this missense variant is not expected to disrupt GBE1 protein function. In summary, the available evidence is currently insufficient to determine the role of this variant in disease. Therefore, it has been classified as a Variant of Uncertain Significance.